The following is an entry in ClinVar:

NM_006214.4(PHYH):c.246-1G>C

Gene: PHYH (phytanoyl-CoA 2-hydroxylase; minus strand). Cytogenetic location: 10p13.
Variant type: single nucleotide variant.
Coding change: c.246-1G>C on transcript NM_006214.4 (MANE Select); the canonical splice acceptor site of the intron before coding-DNA position 246, G replaced by C.
Molecular consequence: splice acceptor variant.
Genome position (GRCh38, 1-based): chr10:13,294,597, C>G on the plus strand (G>C on the coding strand, the complement: PHYH is on the minus strand). VCF-style: chr10-13294597-C-G. GRCh37 (hg19) VCF-style: chr10-13336597-C-G.
Other names: c.246-1G>C (NM_001323083.2, NM_001323082.2); c.-55-1G>C (NM_001037537.2, NM_001323084.2, NM_001323080.2).
Identifiers: ClinVar variation 2758943 (VCV002758943.3), dbSNP rs2538656489, ClinGen allele CA376037474.

ClinVar aggregate classification (germline): Likely pathogenic (1 of 4 stars; one submission).

Submission:

Labcorp Genetics (formerly Invitae), Labcorp
Classification: Likely pathogenic. Last evaluated: 2023-12-18. Review status: criteria provided, single submitter. Criteria: Invitae Variant Classification Sherloc (09022015). Collection method: clinical testing. Allele origin: germline.
Comment: This sequence change affects an acceptor splice site in intron 3 of the PHYH gene. It is expected to disrupt RNA splicing. Variants that disrupt the donor or acceptor splice site typically lead to a loss of protein function (PMID: 16199547), and loss-of-function variants in PHYH are known to be pathogenic (PMID: 9326940, 14974078). This variant is not present in population databases (gnomAD no frequency). This variant has not been reported in the literature in individuals affected with PHYH-related conditions. Algorithms developed to predict the effect of sequence changes on RNA splicing suggest that this variant may disrupt the consensus splice site. In summary, the currently available evidence indicates that the variant is pathogenic, but additional data are needed to prove that conclusively. Therefore, this variant has been classified as Likely Pathogenic.

Literature cited by the submitters: PubMed 16199547; PubMed 9326940; PubMed 14974078.